The following is an entry in ClinVar:

ClinVar aggregate classification (germline): Conflicting classifications of pathogenicity. Review status: criteria provided, conflicting classifications (1 of 4 stars). 8 submissions from 8 submitters: Uncertain significance (1); Benign (1); Likely benign (3). 3 of the submissions do not count toward it. Last evaluated 2025-09-14.

Conditions:
Hypogonadotropic hypogonadism 14 with or without anosmia (HH14). Also called: HYPOGONADOTROPIC HYPOGONADISM 14 WITHOUT ANOSMIA. Identifiers: Orphanet 478, MedGen C3540450, MONDO:0013926, OMIM 614858.

Allele frequency attached by ClinVar (database versions not stated): gnomAD 0.00031 and 0.00033; TOPMed 0.00031; gnomAD exomes 0.00046 and 0.00070; ExAC 0.00057; ESP Exome Variant Server 0.00062.
gnomAD v4.1: 759 of 1,614,192 alleles (0.047%); highest among the groups gnomAD compares: Middle Eastern, 0.41%; 1 homozygote.

Submissions (8):

Labcorp Genetics (formerly Invitae), Labcorp
Classification: Likely benign. Last evaluated: 2025-09-14. Review status: criteria provided, single submitter. Criteria: Invitae Variant Classification Sherloc (09022015). Collection method: clinical testing. Allele origin: germline.

CeGaT Center for Human Genetics Tuebingen
Classification: Likely benign. Last evaluated: 2024-02-01. Review status: criteria provided, single submitter. Criteria: CeGaT Center For Human Genetics Tuebingen Variant Classification Criteria Version 2. Collection method: clinical testing. Allele origin: germline. Affected: yes. Observed: 1 variant allele.
Comment: WDR11: PP3, PS3:Supporting, BS1, BS2

GeneDx
Classification: Likely benign. Last evaluated: 2024-01-18. Review status: criteria provided, single submitter. Criteria: GeneDx Variant Classification Process June 2021. Collection method: clinical testing. Allele origin: germline. Affected: yes.
Comment: See Variant Classification Assertion Criteria.

Mendelics
Classification: Benign for Hypogonadotropic hypogonadism 14 with or without anosmia. Last evaluated: 2023-08-22. Review status: criteria provided, single submitter. Criteria: Mendelics Assertion Criteria 2019. Collection method: clinical testing. Allele origin: germline.

Centre of Medical Genetics, University Hospital Muenster
Classification: Uncertain significance. Last evaluated: 2021-11-15. Review status: criteria provided, single submitter. Criteria: ACMG Guidelines, 2015. Collection method: clinical testing. Allele origin: unknown. Affected: yes. Observed: 1 variant allele, 1 heterozygote.
Comment: ACMG categories: PP2

Zotz-Klimas Genetics Lab, MVZ Zotz Klimas
Classification: Uncertain significance for Hypogonadotropic hypogonadism 14 with or without anosmia. Last evaluated: 2023-10-30. Review status: no assertion criteria provided. Collection method: clinical testing. Allele origin: germline. Affected: yes. Not counted in ClinVar's aggregate classification.

OMIM
Classification: Pathogenic for HYPOGONADOTROPIC HYPOGONADISM 14 WITHOUT ANOSMIA. Last evaluated: 2010-10-08. Review status: no assertion criteria provided. Collection method: literature only. Allele origin: germline. Not counted in ClinVar's aggregate classification.

UniProtKB/Swiss-Prot
No classification provided. Review status: no classification provided. Collection method: not provided. Allele origin: not provided. Not counted in ClinVar's aggregate classification.

Literature cited by the submitters: PubMed 20887964 (cited by OMIM).

NM_018117.12(WDR11):c.3450T>G (p.Phe1150Leu)

Gene: WDR11 (WD repeat domain 11; plus strand). Cytogenetic location: 10q26.12.
Variant type: single nucleotide variant.
Coding change: c.3450T>G on transcript NM_018117.12 (MANE Select); coding-DNA position 3450, T replaced by G.
Protein change: p.Phe1150Leu; replaces phenylalanine 1150 with leucine.
Molecular consequence: missense variant.
Genome position (GRCh38, 1-based): chr10:120,906,788, T>G. VCF-style: chr10-120906788-T-G. GRCh37 (hg19) VCF-style: chr10-122666300-T-G.
Other names: short protein forms F1150L.
Identifiers: ClinVar variation 68842 (VCV000068842.43), dbSNP rs139007744, ClinGen allele CA220082.